The following is an entry in ClinVar:

ClinVar aggregate classification (germline): Pathogenic (1 of 4 stars; one submission).

Submission:

Labcorp Genetics (formerly Invitae), Labcorp
Classification: Pathogenic. Last evaluated: 2019-11-02. Review status: criteria provided, single submitter. Criteria: Invitae Variant Classification Sherloc (09022015). Collection method: clinical testing. Allele origin: germline.
Comment: This variant is an out-of-frame deletion of the genomic region encompassing exons 15-18 of the EYS gene. This is expected to create a premature translational stop signal and result in an absent or disrupted protein product. A similar deletion of exons 15-18 has been reported in individuals affected with retinitis pigmentosa (PMID: 28704921, 27735924). Loss-of-function variants in EYS are known to be pathogenic (PMID: 18836446, 20333770). For these reasons, this variant has been classified as Pathogenic.

Literature cited by the submitters: PubMed 28704921; PubMed 27735924.

NC_000006.12:g.(?_64902113)_(64945914_?)del

Gene: EYS (eyes shut homolog; minus strand). Cytogenetic location: 6q12.
Variant type: Deletion.
Identifiers: ClinVar variation 831046 (VCV000831046.1).